The following is an entry in ClinVar:

NM_001378454.1(ALMS1):c.2743A>G (p.Ile915Val)

Gene: ALMS1 (ALMS1 centrosome and basal body associated protein; plus strand). Cytogenetic location: 2p13.1.
Variant type: single nucleotide variant.
Coding change: c.2743A>G on transcript NM_001378454.1 (MANE Select); coding-DNA position 2743, A replaced by G.
Protein change: p.Ile915Val; replaces isoleucine 915 with valine.
Molecular consequence: missense variant.
Genome position (GRCh38, 1-based): chr2:73,449,270, A>G. VCF-style: chr2-73449270-A-G. GRCh37 (hg19) VCF-style: chr2-73676397-A-G.
Other names: c.2746A>G, p.Ile916Val (NM_015120.4); short protein forms I916V, I915V.
Identifiers: ClinVar variation 553113 (VCV000553113.7), dbSNP rs200704524, ClinGen allele CA1713409.

ClinVar aggregate classification (germline): Uncertain significance. Review status: criteria provided, multiple submitters, no conflicts (2 of 4 stars). 3 submissions from 3 submitters: Uncertain significance (2). 1 of the submissions does not count toward it. Last evaluated 2025-03-07.

Conditions:
Alstrom syndrome (ALMS). Identifiers: Orphanet 64, MedGen C0268425, MONDO:0008763, OMIM 203800.

Allele frequency attached by ClinVar (database versions not stated): TOPMed below 0.00001; ExAC 0.00001; gnomAD exomes 0.00001; 1000 Genomes Project 30x 0.00016; 1000 Genomes Project 0.00020.
gnomAD v4.1: 3 of 1,613,926 alleles (0.00019%); highest among the groups gnomAD compares: South Asian, 0.0033%; no homozygotes.

Submissions (3):

Labcorp Genetics (formerly Invitae), Labcorp
Classification: Uncertain significance for Alstrom syndrome. Last evaluated: 2025-03-07. Review status: criteria provided, single submitter. Criteria: Invitae Variant Classification Sherloc (09022015). Collection method: clinical testing. Allele origin: germline.
Comment: This sequence change replaces isoleucine, which is neutral and non-polar, with valine, which is neutral and non-polar, at codon 916 of the ALMS1 protein (p.Ile916Val). This variant is present in population databases (rs200704524, gnomAD 0.003%). This variant has not been reported in the literature in individuals affected with ALMS1-related conditions. ClinVar contains an entry for this variant (Variation ID: 553113). Experimental studies and prediction algorithms are not available or were not evaluated, and the functional significance of this variant is currently unknown. In summary, the available evidence is currently insufficient to determine the role of this variant in disease. Therefore, it has been classified as a Variant of Uncertain Significance.

Fulgent Genetics
Classification: Uncertain significance for Alstrom syndrome. Last evaluated: 2022-03-04. Review status: criteria provided, single submitter. Criteria: ACMG Guidelines, 2015. Collection method: clinical testing. Allele origin: unknown.

Counsyl
Classification: Uncertain significance for Alstrom syndrome. Last evaluated: 2017-07-27. Review status: no assertion criteria provided. Collection method: clinical testing. Allele origin: unknown. Not counted in ClinVar's aggregate classification.